The following is an entry in ClinVar:

NM_001105206.3(LAMA4):c.5456C>A (p.Ser1819Tyr)

Gene: LAMA4 (laminin subunit alpha 4; minus strand). Cytogenetic location: 6q21.
Variant type: single nucleotide variant.
Coding change: c.5456C>A on transcript NM_001105206.3 (MANE Select); coding-DNA position 5456, C replaced by A.
Protein change: p.Ser1819Tyr; replaces serine 1819 with tyrosine.
Molecular consequence: missense variant.
Genome position (GRCh38, 1-based): chr6:112,109,453, G>T on the plus strand (C>A on the coding strand, the complement: LAMA4 is on the minus strand). VCF-style: chr6-112109453-G-T. GRCh37 (hg19) VCF-style: chr6-112430656-G-T.
Other names: c.5435C>A, p.Ser1812Tyr (NM_001105207.3, NM_002290.5); short protein forms S1812Y, S1819Y.
Identifiers: ClinVar variation 4811345 (VCV004811345.1).

ClinVar aggregate classification (germline): Uncertain significance (1 of 4 stars; one submission).

Conditions:
Dilated cardiomyopathy 1JJ (CMD1JJ). Identifiers: Orphanet 154, MedGen C3808935, MONDO:0014095, OMIM 615235.

Submission:

Labcorp Genetics (formerly Invitae), Labcorp
Classification: Uncertain significance for Dilated cardiomyopathy 1JJ. Last evaluated: 2025-06-22. Review status: criteria provided, single submitter. Criteria: Invitae Variant Classification Sherloc (09022015). Collection method: clinical testing. Allele origin: germline.
Comment: This sequence change replaces serine, which is neutral and polar, with tyrosine, which is neutral and polar, at codon 1812 of the LAMA4 protein (p.Ser1812Tyr). This variant is not present in population databases (gnomAD no frequency). This variant has not been reported in the literature in individuals affected with LAMA4-related conditions. Invitae Evidence Modeling of protein sequence and biophysical properties (such as structural, functional, and spatial information, amino acid conservation, physicochemical variation, residue mobility, and thermodynamic stability) has been performed for this missense variant. However, the output from this modeling did not meet the statistical confidence thresholds required to predict the impact of this variant on LAMA4 protein function. In summary, the available evidence is currently insufficient to determine the role of this variant in disease. Therefore, it has been classified as a Variant of Uncertain Significance.